The following is an entry in ClinVar:

NM_172364.5(CACNA2D4):c.1064G>C (p.Arg355Pro)

Gene: CACNA2D4 (calcium voltage-gated channel auxiliary subunit alpha2delta 4; minus strand). Cytogenetic location: 12p13.33.
Variant type: single nucleotide variant.
Coding change: c.1064G>C on transcript NM_172364.5 (MANE Select); coding-DNA position 1064, G replaced by C.
Protein change: p.Arg355Pro; replaces arginine 355 with proline.
Molecular consequence: missense variant.
Genome position (GRCh38, 1-based): chr12:1,885,969, C>G on the plus strand (G>C on the coding strand, the complement: CACNA2D4 is on the minus strand). VCF-style: chr12-1885969-C-G. GRCh37 (hg19) VCF-style: chr12-1995135-C-G.
Other names: c.1064G>C (NM_172364.4); short protein forms R355P.
Identifiers: ClinVar variation 3625935 (VCV003625935.3).

ClinVar aggregate classification (germline): Uncertain significance. Review status: criteria provided, multiple submitters, no conflicts (2 of 4 stars). 2 submissions from 2 submitters: Uncertain significance (2). Last evaluated 2025-05-28.

Conditions:
Inborn genetic diseases. Identifiers: MedGen C0950123, MeSH D030342.

gnomAD v4.1: 4 of 1,611,508 alleles (0.00025%); highest among the groups gnomAD compares: African/African-American, 0.0027%; no homozygotes.

Submissions (2):

Ambry Genetics
Classification: Uncertain significance for Inborn genetic diseases. Last evaluated: 2025-05-28. Review status: criteria provided, single submitter. Criteria: Ambry Variant Classification Scheme 2023. Collection method: clinical testing. Allele origin: germline.

Labcorp Genetics (formerly Invitae), Labcorp
Classification: Uncertain significance. Last evaluated: 2025-01-12. Review status: criteria provided, single submitter. Criteria: Invitae Variant Classification Sherloc (09022015). Collection method: clinical testing. Allele origin: germline.
Comment: This sequence change replaces arginine, which is basic and polar, with proline, which is neutral and non-polar, at codon 355 of the CACNA2D4 protein (p.Arg355Pro). This variant is present in population databases (no rsID available, gnomAD no frequency). This variant has not been reported in the literature in individuals affected with CACNA2D4-related conditions. An algorithm developed to predict the effect of missense changes on protein structure and function (PolyPhen-2) suggests that this variant is likely to be tolerated. In summary, the available evidence is currently insufficient to determine the role of this variant in disease. Therefore, it has been classified as a Variant of Uncertain Significance.